The following is an entry in ClinVar:

ClinVar aggregate classification (germline): Uncertain significance (1 of 4 stars; one submission).

Conditions:
Developmental and epileptic encephalopathy 94 (DEE94). Also called: Epileptic encephalopathy, childhood-onset; CHD2-Related Neurodevelopmental Disorders. Identifiers: Orphanet 1942, Orphanet 2382, MedGen C3809278, MONDO:0014150, OMIM 615369.

Submission:

Labcorp Genetics (formerly Invitae), Labcorp
Classification: Uncertain significance for Developmental and epileptic encephalopathy 94. Last evaluated: 2025-11-05. Review status: criteria provided, single submitter. Criteria: Invitae Variant Classification Sherloc (09022015). Collection method: clinical testing. Allele origin: germline.
Comment: This sequence change replaces histidine, which is basic and polar, with proline, which is neutral and non-polar, at codon 1178 of the CHD2 protein (p.His1178Pro). This variant is not present in population databases (gnomAD no frequency). This variant has not been reported in the literature in individuals affected with CHD2-related conditions. Invitae Evidence Modeling of protein sequence and biophysical properties (such as structural, functional, and spatial information, amino acid conservation, physicochemical variation, residue mobility, and thermodynamic stability) indicates that this missense variant is not expected to disrupt CHD2 protein function with a negative predictive value of 95%. In summary, the available evidence is currently insufficient to determine the role of this variant in disease. Therefore, it has been classified as a Variant of Uncertain Significance.

NM_001271.4(CHD2):c.3533A>C (p.His1178Pro)

Gene: CHD2 (chromodomain helicase DNA binding protein 2; plus strand). Cytogenetic location: 15q26.1.
Variant type: single nucleotide variant.
Coding change: c.3533A>C on transcript NM_001271.4 (MANE Select); coding-DNA position 3533, A replaced by C.
Protein change: p.His1178Pro; replaces histidine 1178 with proline.
Molecular consequence: missense variant.
Genome position (GRCh38, 1-based): chr15:92,992,936, A>C. VCF-style: chr15-92992936-A-C. GRCh37 (hg19) VCF-style: chr15-93536166-A-C.
Other names: short protein forms H1178P.
Identifiers: ClinVar variation 4802443 (VCV004802443.1).